The following is an entry in ClinVar:

NM_000070.3(CAPN3):c.143G>A (p.Ser48Asn)

Gene: CAPN3 (calpain 3; plus strand). Cytogenetic location: 15q15.1.
Variant type: single nucleotide variant.
Coding change: c.143G>A on transcript NM_000070.3 (MANE Select); coding-DNA position 143, G replaced by A.
Protein change: p.Ser48Asn; replaces serine 48 with asparagine.
Molecular consequence: missense variant.
Genome position (GRCh38, 1-based): chr15:42,359,948, G>A. VCF-style: chr15-42359948-G-A. GRCh37 (hg19) VCF-style: chr15-42652146-G-A.
Other names: c.143G>A, p.Ser48Asn (NM_024344.2, NM_173087.2); short protein forms S48N.
Identifiers: ClinVar variation 549977 (VCV000549977.10), dbSNP rs767281996, ClinGen allele CA7510862.

ClinVar aggregate classification (germline): Conflicting classifications of pathogenicity. Review status: criteria provided, conflicting classifications (1 of 4 stars). 4 submissions from 4 submitters: Likely pathogenic (1); Uncertain significance (1). 2 of the submissions do not count toward it. Last evaluated 2024-11-12.

Conditions:
Autosomal recessive limb-girdle muscular dystrophy type 2A (LGMDR1). Also called: Limb-girdle muscular dystrophy, type 2A; Muscular dystrophy, limb-girdle, type 2A, Amish; LEYDEN-MOEBIUS MUSCULAR DYSTROPHY; MUSCULAR DYSTROPHY, PELVOFEMORAL; Calpainopathy. Identifiers: Orphanet 267, MedGen C1869123, MONDO:0009675, OMIM 253600. Disease mechanism: loss of function.
Muscular dystrophy, limb-girdle, autosomal dominant 4. Also called: MUSCULAR DYSTROPHY, LIMB-GIRDLE, TYPE 1I; Calpain-3-related limb-girdle muscular dystrophy D4. Identifiers: Orphanet 565909, MedGen C4748295, MONDO:0029133, OMIM 618129.

Allele frequency attached by ClinVar (database versions not stated): gnomAD exomes 0.00002 and 0.00008; TOPMed 0.00002; gnomAD 0.00003; ExAC 0.00002.
gnomAD v4.1: 120 of 1,614,092 alleles (0.0074%); highest among the groups gnomAD compares: Non-Finnish European, 0.0099%; no homozygotes.

Submissions (4):

Labcorp Genetics (formerly Invitae), Labcorp
Classification: Uncertain significance for Autosomal recessive limb-girdle muscular dystrophy type 2A. Last evaluated: 2024-11-12. Review status: criteria provided, single submitter. Criteria: Invitae Variant Classification Sherloc (09022015). Collection method: clinical testing. Allele origin: germline.
Comment: This sequence change replaces serine, which is neutral and polar, with asparagine, which is neutral and polar, at codon 48 of the CAPN3 protein (p.Ser48Asn). This variant is present in population databases (rs767281996, gnomAD 0.005%). This missense change has been observed in individual(s) with limb-girdle muscular dystrophy (PMID: 16141003, 18854869, 22443334). ClinVar contains an entry for this variant (Variation ID: 549977). Invitae Evidence Modeling of protein sequence and biophysical properties (such as structural, functional, and spatial information, amino acid conservation, physicochemical variation, residue mobility, and thermodynamic stability) indicates that this missense variant is expected to disrupt CAPN3 protein function with a positive predictive value of 95%. In summary, the available evidence is currently insufficient to determine the role of this variant in disease. Therefore, it has been classified as a Variant of Uncertain Significance.

Fulgent Genetics
Classification: Likely pathogenic for Autosomal recessive limb-girdle muscular dystrophy type 2A; Muscular dystrophy, limb-girdle, autosomal dominant 4. Last evaluated: 2024-06-16. Review status: criteria provided, single submitter. Criteria: ACMG Guidelines, 2015. Collection method: clinical testing. Allele origin: germline.

Natera, Inc.
Classification: Uncertain significance for Limb-girdle muscular dystrophy type 2A. Last evaluated: 2020-09-16. Review status: no assertion criteria provided. Collection method: clinical testing. Allele origin: germline. Not counted in ClinVar's aggregate classification.

Counsyl
Classification: Uncertain significance for Autosomal recessive limb-girdle muscular dystrophy type 2A. Last evaluated: 2017-01-10. Review status: no assertion criteria provided. Collection method: clinical testing. Allele origin: unknown. Not counted in ClinVar's aggregate classification.

Literature cited by the submitters: PubMed 16141003 (cited by Labcorp Genetics (formerly Invitae), Labcorp); PubMed 18854869 (cited by Labcorp Genetics (formerly Invitae), Labcorp); PubMed 22443334 (cited by Labcorp Genetics (formerly Invitae), Labcorp and Counsyl).